The following is an entry in ClinVar:

NM_001349253.2(SCN11A):c.172G>C (p.Ala58Pro)

Gene: SCN11A (sodium voltage-gated channel alpha subunit 11; minus strand). Cytogenetic location: 3p22.2.
Variant type: single nucleotide variant.
Coding change: c.172G>C on transcript NM_001349253.2 (MANE Select); coding-DNA position 172, G replaced by C.
Protein change: p.Ala58Pro; replaces alanine 58 with proline.
Molecular consequence: missense variant.
Genome position (GRCh38, 1-based): chr3:38,950,191, C>G on the plus strand (G>C on the coding strand, the complement: SCN11A is on the minus strand). VCF-style: chr3-38950191-C-G. GRCh37 (hg19) VCF-style: chr3-38991682-C-G.
Other names: c.172G>C, p.Ala58Pro (NM_014139.3); short protein forms A58P.
Identifiers: ClinVar variation 474694 (VCV000474694.5), dbSNP rs1553644519, ClinGen allele CA352176652.

ClinVar aggregate classification (germline): Uncertain significance (1 of 4 stars; one submission).

Conditions:
Hereditary sensory and autonomic neuropathy type 7. Also called: Neuropathy, hereditary sensory and autonomic, type VII; HSAN VII. Identifiers: Orphanet 391397, MedGen C3809882, MONDO:0014244, OMIM 615548.
Familial episodic pain syndrome with predominantly lower limb involvement. Also called: Episodic pain syndrome, familial, 3. Identifiers: Orphanet 391384, Orphanet 391392, MedGen C3809899, MONDO:0014247, OMIM 615552.

Allele frequency attached by ClinVar (database versions not stated): gnomAD exomes below 0.00001.
gnomAD v4.1: 1 of 1,613,706 alleles (0.000062%); highest among the groups gnomAD compares: Admixed American, 0.0017%; no homozygotes.

Submission:

Labcorp Genetics (formerly Invitae), Labcorp
Classification: Uncertain significance for Familial episodic pain syndrome with predominantly lower limb involvement; Hereditary sensory and autonomic neuropathy type 7. Last evaluated: 2025-08-03. Review status: criteria provided, single submitter. Criteria: Invitae Variant Classification Sherloc (09022015). Collection method: clinical testing. Allele origin: germline.
Comment: This sequence change replaces alanine, which is neutral and non-polar, with proline, which is neutral and non-polar, at codon 58 of the SCN11A protein (p.Ala58Pro). This variant is not present in population databases (gnomAD no frequency). This variant has not been reported in the literature in individuals affected with SCN11A-related conditions. ClinVar contains an entry for this variant (Variation ID: 474694). Invitae Evidence Modeling of protein sequence and biophysical properties (such as structural, functional, and spatial information, amino acid conservation, physicochemical variation, residue mobility, and thermodynamic stability) indicates that this missense variant is expected to disrupt SCN11A protein function with a positive predictive value of 80%. In summary, the available evidence is currently insufficient to determine the role of this variant in disease. Therefore, it has been classified as a Variant of Uncertain Significance.